The following is an entry in ClinVar:

NM_001271.4(CHD2):c.2703G>A (p.Ala901=)

Gene: CHD2 (chromodomain helicase DNA binding protein 2; plus strand). Cytogenetic location: 15q26.1.
Variant type: single nucleotide variant.
Coding change: c.2703G>A on transcript NM_001271.4 (MANE Select); coding-DNA position 2703, G replaced by A.
Protein change: p.Ala901=; no amino-acid change (alanine 901 retained).
Molecular consequence: synonymous variant.
Genome position (GRCh38, 1-based): chr15:92,978,359, G>A. VCF-style: chr15-92978359-G-A. GRCh37 (hg19) VCF-style: chr15-93521589-G-A.
Identifiers: ClinVar variation 1108502 (VCV001108502.13), dbSNP rs776453723, ClinGen allele CA7748038.
Genomic context (GRCh38, chr15:92,978,359, plus strand): 5'-AGTCGTCATCTTTGACTCTGACTGGAACCCCCAGAATGACTTGCAGGCACAAGCCCGAGC[G>A]CATAGAATTGGTCAAAAGAAGCAGGTCAGTATGGAGAGGCTTCTGGAAATTGCTTTAGGG-3'
Protein context (NP_001262.3, residues 891-911): PQNDLQAQAR[Ala901=]HRIGQKKQVN

ClinVar aggregate classification (germline): Likely benign. Review status: criteria provided, multiple submitters, no conflicts (2 of 4 stars). 3 submissions from 3 submitters: Likely benign (2). 1 of the submissions does not count toward it. Last evaluated 2025-02-07.

Conditions:
Developmental and epileptic encephalopathy 94 (DEE94). Also called: CHD2-Related Neurodevelopmental Disorders; Epileptic encephalopathy, childhood-onset. Identifiers: Orphanet 1942, Orphanet 2382, MedGen C3809278, MONDO:0014150, OMIM 615369.
CHD2-related disorder. Also called: CHD2-related condition.

Allele frequency attached by ClinVar (database versions not stated): ExAC 0.00002; gnomAD exomes 0.00003 and 0.00007; TOPMed 0.00006; gnomAD 0.00007.
gnomAD v4.1: 112 of 1,613,912 alleles (0.0069%); highest among the groups gnomAD compares: Admixed American, 0.013%; no homozygotes.

Submissions (3):

Labcorp Genetics (formerly Invitae), Labcorp
Classification: Likely benign for Developmental and epileptic encephalopathy 94. Last evaluated: 2025-02-07. Review status: criteria provided, single submitter. Criteria: Invitae Variant Classification Sherloc (09022015). Collection method: clinical testing. Allele origin: germline.

GeneDx
Classification: Likely benign. Last evaluated: 2021-01-13. Review status: criteria provided, single submitter. Criteria: GeneDx Variant Classification Process June 2021. Collection method: clinical testing. Allele origin: germline. Affected: yes.

PreventionGenetics, part of Exact Sciences
Classification: Likely benign for CHD2-related condition. Last evaluated: 2019-03-07. Review status: no assertion criteria provided. Collection method: clinical testing. Allele origin: germline. Not counted in ClinVar's aggregate classification.
Comment: This variant is classified as likely benign based on ACMG/AMP sequence variant interpretation guidelines (Richards et al. 2015 PMID: 25741868, with internal and published modifications).